The following is an entry in ClinVar:

ClinVar aggregate classification (germline): Uncertain significance (1 of 4 stars; one submission).

Conditions:
Neurodevelopmental disorder with or without anomalies of the brain, eye, or heart (NEDBEH). Identifiers: Orphanet 494344, MedGen C5567477, MONDO:0014857, OMIM 616975.

Submission:

New York Genome Center
Classification: Uncertain significance for Neurodevelopmental disorder with or without anomalies of the brain, eye, or heart. Last evaluated: 2020-06-26. Review status: criteria provided, single submitter. Criteria: NYGC Assertion Criteria 2020. Collection method: clinical testing. Allele origin: de novo. Observed: 1 heterozygote. Study: CSER-NYCKidSeq.
Comment: The de novo deep intronic variant c.1203+3653A>G identified the RERE gene has not been reported in affected individuals in the literature. This deep intronic variant located in intron 11(of 22)of the RERE gene is absent from the gnomAD(v3) database indicating it is an extremely rare allele in the general population. Functional studies are required to evaluate potential deleterious effect, if any, of this variant on normal mRNA splicing of RERE. Based on the available evidence, the de novo deep intronic c.1203+3653A>G variant identified in the RERE gene is assessed as a variant of uncertain significance.

NM_001042681.2(RERE):c.1203+3653A>G

Gene: RERE (arginine-glutamic acid dipeptide repeats; minus strand). Cytogenetic location: 1p36.23.
Variant type: single nucleotide variant.
Coding change: c.1203+3653A>G on transcript NM_001042681.2 (MANE Select); 3653 bases into the intron after coding-DNA position 1203, A replaced by G.
Molecular consequence: intron variant.
Genome position (GRCh38, 1-based): chr1:8,462,272, T>C on the plus strand (A>G on the coding strand, the complement: RERE is on the minus strand). VCF-style: chr1-8462272-T-C. GRCh37 (hg19) VCF-style: chr1-8522332-T-C.
Other names: c.1203+3653A>G (NM_012102.4).
Identifiers: ClinVar variation 1184388 (VCV001184388.1), dbSNP rs2124113169, ClinGen allele CA2499214863.